The following is an entry in ClinVar:

NM_015450.3(POT1):c.1851_1852del (p.Asp617fs)

Gene: POT1 (protection of telomeres 1; minus strand). Cytogenetic location: 7q31.33.
Variant type: Deletion.
Coding change: c.1851_1852del on transcript NM_015450.3 (MANE Select); coding-DNA positions 1851 to 1852, 2 bases deleted (TA; older notation c.1851_1852delTA).
Protein change: p.Asp617fs; shifts the reading frame from aspartic acid 617.
Molecular consequence: frameshift variant. On other transcripts: non-coding transcript variant (3).
Genome position (GRCh38, 1-based): chr7:124,824,015-124,824,016, TA deleted on the plus strand (TA on the coding strand, the reverse complement: POT1 is on the minus strand); deleting any 2 consecutive bases within chr7:124,824,015-124,824,017 gives the same sequence; the c. name uses the placement nearest the transcript's 3' end. VCF-style (leftmost placement, unchanged base first): chr7-124824014-TTA-T. GRCh37 (hg19) VCF-style: chr7-124464068-TTA-T.
Other names: D617EFSTER8; c.1458_1459del, p.Asp486fs (NM_001042594.2); short protein forms D486fs, D617fs.
Identifiers: ClinVar variation 209095 (VCV000209095.24), dbSNP rs758673417, ClinGen allele CA204991.

ClinVar aggregate classification (germline): Conflicting classifications of pathogenicity. Review status: criteria provided, conflicting classifications (1 of 4 stars). 8 submissions from 8 submitters: Pathogenic (1); Likely pathogenic (3); Uncertain significance (3). 1 of the submissions does not count toward it. Last evaluated 2026-07-21.

Conditions:
POT1-related disorder. Also called: POT1-related condition.
Long telomere syndrome.
Hereditary cancer-predisposing syndrome. Also called: Hereditary Cancer Syndrome; Neoplastic Syndromes, Hereditary; Tumor predisposition; Hereditary neoplastic syndrome. Identifiers: Orphanet 140162, MedGen C0027672, MeSH D009386, MONDO:0015356.
Tumor predisposition syndrome 3 (TPDS3). Also called: Melanoma, cutaneous malignant, susceptibility to, 10; LONG TELOMERE SYNDROME, POT1-RELATED; POT1 Tumor Predisposition; Glioma susceptibility 9. Identifiers: Orphanet 618, MedGen C4014476, MONDO:0014368, OMIM 615848.

Submissions (8):

PreventionGenetics, part of Exact Sciences
Classification: Likely pathogenic for POT1-related condition. Last evaluated: 2026-07-21. Review status: criteria provided, single submitter. Criteria: ACMG Guidelines, 2015. Collection method: clinical testing. Allele origin: germline.
Comment: The POT1 c.1851_1852delTA variant is predicted to result in a frameshift and premature protein termination (p.Asp617Glufs*9). This variant is expected to produce a truncated protein lacking 18 C-terminal amino acids. This variant has been reported in multiple individuals with POT1-associated cancers, including oligodendroglioma (Bainbridge et al. 2015. PubMed ID: 25482530), melanoma (Nathan et al. 2021. PubMed ID: 32907878; Supplemental Data, Simonin-Wilmer et al. 2022. PubMed ID: 36539277), head and neck squamous cell carcinoma (Table S2A, Huang et al. 2018. PubMed ID: 29625052), and osteosarcoma (eTable 5, Mirabello et al. 2020. PubMed ID: 32191290). This variant has also been reported in an individual with chronic myelomonocytic leukemia (CMML) that progressed to acute myeloid leukemia (AML) (Lim et al. 2021. PubMed ID: 34193977). Quantitative PCR (qPCR) studies using patient blood found that this variant was associated with the presence of telomere lengths greater than the 95th percentile of control lengths (Nathan et al. 2021. PubMed ID: 32907878). This variant is reported in 0.0062% of alleles in individuals of African descent in gnomAD and has conflicting interpretations in ClinVar ranging from uncertain to pathogenic (Variation ID: 209095). Frameshift variants in POT1 are expected to be pathogenic. Taken together, this variant is interpreted as likely pathogenic.

Labcorp Genetics (formerly Invitae), Labcorp
Classification: Likely pathogenic for Tumor predisposition syndrome 3. Last evaluated: 2026-01-26. Review status: criteria provided, single submitter. Criteria: Invitae Variant Classification Sherloc (09022015). Collection method: clinical testing. Allele origin: germline.
Comment: This sequence change creates a premature translational stop signal (p.Asp617Glufs*9) in the POT1 gene. While this is not anticipated to result in nonsense mediated decay, it is expected to disrupt the last 18 amino acid(s) of the POT1 protein. This variant is present in population databases (rs758673417, gnomAD 0.004%). This premature translational stop signal has been observed in individuals with acute myeloid leukemia, chronic lymphocytic leukemia, colorectal cancer, head and neck squamous cell carcinoma, oligodendroglioma, and/or uveal and cutaneous melanoma (PMID: 25482530, 27329137, 29625052, 32191290, 32907878, 34193977; internal data). This variant is also known as c.1458_1459del. ClinVar contains an entry for this variant (Variation ID: 209095). Experimental studies and prediction algorithms are not available or were not evaluated, and the functional significance of this variant is currently unknown. In summary, the currently available evidence indicates that the variant is pathogenic, but additional data are needed to prove that conclusively. Therefore, this variant has been classified as Likely Pathogenic.

The Telomere Center at Johns Hopkins, Johns Hopkins University School of Medicine
Classification: Pathogenic for Long Telomere Syndrome. Last evaluated: 2025-12-23. Review status: criteria provided, single submitter. Criteria: Davidson-Swinton et al. (Blood. 2026). Collection method: clinical testing. Allele origin: germline. Affected: yes.

GeneDx
Classification: Uncertain significance. Last evaluated: 2025-07-25. Review status: criteria provided, single submitter. Criteria: GeneDx Variant Classification Process June 2021. Collection method: clinical testing. Allele origin: germline. Affected: yes.
Comment: Frameshift variant predicted to result in protein truncation as the last 18 amino acids are replaced with 8 different amino acids, although loss-of-function variants have not been reported downstream of this position in the protein; This variant is associated with the following publications: (PMID: 27329137, 25710457, 25482530, 26847028, 32449991, 28393830, 34193977, 29625052, 32987645, 32907878, 38254993, 37466057, 36451132, 32191290, 39315505)

Ambry Genetics
Classification: Likely pathogenic for Hereditary cancer-predisposing syndrome. Last evaluated: 2025-03-11. Review status: criteria provided, single submitter. Criteria: Ambry Variant Classification Scheme 2023. Collection method: clinical testing. Allele origin: germline.
Comment: The c.1851_1852delTA variant, located in coding exon 15 of the POT1 gene, results from a deletion of two nucleotides at nucleotide positions 1851 to 1852, causing a translational frameshift with a predicted alternate stop codon (p.D617Efs*9). Frameshifts are typically deleterious in nature, however, this frameshift occurs at the 3' terminus of POT1, is not expected to trigger nonsense-mediated mRNA decay, and impacts only the last 18 amino acids of the protein. Another alteration, Q623H, located downstream of this frameshift was identified in a familial melanoma case, and has been shown to be important for binding to TPP1 and proper telomere maintenance (Shi J et al. Nat. Genet. 2014 May;46:482-6; Rice C et al. Nat. Commun. 2017 Apr;8:14928). Additionally, internal case control analysis showed a significant association of melanoma and sarcoma in probands heterozygous for c.1851_1852delTA compared to probands with a negative multigene testing panel result (Ambry internal data). Based on the majority of available evidence to date, this variant is likely to be pathogenic.

Quest Diagnostics Nichols Institute San Juan Capistrano
Classification: Uncertain significance. Last evaluated: 2024-02-08. Review status: criteria provided, single submitter. Criteria: Quest Diagnostics criteria. Collection method: clinical testing. Allele origin: unknown.
Comment: The POT1 c.1851_1852del (p.Asp617Glufs*9) variant alters the translational reading frame of the POT1 mRNA and is predicted to cause the premature termination of POT1 protein synthesis. This variant is not expected to cause loss of protein expression through nonsense-mediated decay, however, it may still disrupt protein function. In the published literature, this variant has been reported in individuals affected with oligodendroglioma (PMID: 25482530 (2015)), rectal cancer (PMID: 27329137 (2016)), head and neck squamous cell carcinoma (PMID: 29625052 (2018)), and melanoma (PMID: 32907878 (2021)). The frequency of this variant in the general population, 0.000044 (5/112632 chromosomes (Genome Aggregation Database)), is uninformative in the assessment of its pathogenicity. Based on the available information, we are unable to determine the clinical significance of this variant.

St. Jude Molecular Pathology, St. Jude Children's Research Hospital
Classification: Uncertain significance for Tumor predisposition syndrome 3. Last evaluated: 2022-08-26. Review status: criteria provided, single submitter. Criteria: St. Jude Assertion Criteria 2020. Collection method: clinical testing. Allele origin: germline.
Comment: The POT1 c.1851_1852del (p.Asp617GlufsTer9) change deletes two nucleotides and causes a frameshift and the creation of a premature stop codon. It is not expected to result in nonsense mediated decay and removes less than 10% of the protein. Functional studies have demonstrated the importance of the C-terminus of POT1 in protein-protein interactions, however studies are needed to determine the effect of this variant (PMID: 28393832; 28393830). This variant has been reported in an individual with a personal and family history of oligodendroglioma (PMID: 25482530) and in an individual with uveal melanoma (PMID: 32907878). This variant has a maximum subpopulation frequency of 0.0062% in gnomAD v2.1.1. In summary, the evidence currently available is insufficient to determine the clinical significance of this variant. It has therefore been classified as of uncertain significance.

OMIM
Classification: Pathogenic for TUMOR PREDISPOSITION SYNDROME 3. Last evaluated: 2014-12-07. Review status: no assertion criteria provided. Collection method: literature only. Allele origin: germline. Not counted in ClinVar's aggregate classification.

Literature cited by the submitters: PubMed 25482530 (cited by 4 submitters); PubMed 27329137 (cited by 3 submitters); PubMed 29625052 (cited by Labcorp Genetics (formerly Invitae), Labcorp and Quest Diagnostics Nichols Institute San Juan Capistrano); PubMed 32191290 (cited by Labcorp Genetics (formerly Invitae), Labcorp); PubMed 32907878 (cited by Labcorp Genetics (formerly Invitae), Labcorp and Quest Diagnostics Nichols Institute San Juan Capistrano); PubMed 34193977 (cited by Labcorp Genetics (formerly Invitae), Labcorp and Ambry Genetics); PubMed 24686846 (cited by Ambry Genetics); PubMed 28393830 (cited by Ambry Genetics); PubMed 28393832 (cited by Ambry Genetics and Quest Diagnostics Nichols Institute San Juan Capistrano); PubMed 36539277 (cited by Ambry Genetics); PubMed 39315505 (cited by Ambry Genetics).